The following is an entry in ClinVar:

NM_020944.3(GBA2):c.331A>T (p.Met111Leu)

Gene: GBA2 (glucosylceramidase beta 2; minus strand). Cytogenetic location: 9p13.3.
Variant type: single nucleotide variant.
Coding change: c.331A>T on transcript NM_020944.3 (MANE Select); coding-DNA position 331, A replaced by T.
Protein change: p.Met111Leu; replaces methionine 111 with leucine.
Molecular consequence: missense variant.
Genome position (GRCh38, 1-based): chr9:35,748,374, T>A on the plus strand (A>T on the coding strand, the complement: GBA2 is on the minus strand). VCF-style: chr9-35748374-T-A. GRCh37 (hg19) VCF-style: chr9-35748371-T-A.
Other names: c.331A>T, p.Met111Leu (NM_001330660.2); short protein forms M111L.
Identifiers: ClinVar variation 2077663 (VCV002077663.4), dbSNP rs148020856, ClinGen allele CA5050758.
Genomic context (GRCh38, chr9:35,748,374, plus strand): 5'-CAAAGGCATTCTAGGCAATGGGGTCTACTCACCTCAAGCCCATGCCTATATGCTTTATCA[T>A]GTTGCTTAGGGAGACGTTGTTAGCTTGAAAGGGTTTCCTCTTCTCTGTAAACTCATGAGC-3'
Protein context (NP_065995.1, residues 101-121): FQANNVSLSN[Met111Leu]IKHIGMGLRY

ClinVar aggregate classification (germline): Uncertain significance (1 of 4 stars; one submission).

Conditions:
Spastic paraplegia. Identifiers: MedGen C0037772, HP:0001258.

Submission:

Labcorp Genetics (formerly Invitae), Labcorp
Classification: Uncertain significance for Spastic paraplegia. Last evaluated: 2022-07-15. Review status: criteria provided, single submitter. Criteria: Invitae Variant Classification Sherloc (09022015). Collection method: clinical testing. Allele origin: germline.
Comment: This variant is present in population databases (rs148020856, gnomAD 0.003%). This variant has not been reported in the literature in individuals affected with GBA2-related conditions. Algorithms developed to predict the effect of missense changes on protein structure and function output the following: SIFT: "Tolerated"; PolyPhen-2: "Benign"; Align-GVGD: "Class C0". The leucine amino acid residue is found in multiple mammalian species, which suggests that this missense change does not adversely affect protein function. In summary, the available evidence is currently insufficient to determine the role of this variant in disease. Therefore, it has been classified as a Variant of Uncertain Significance. This sequence change replaces methionine, which is neutral and non-polar, with leucine, which is neutral and non-polar, at codon 111 of the GBA2 protein (p.Met111Leu).